The following is an entry in ClinVar:

ClinVar aggregate classification (germline): Benign/Likely benign. Review status: criteria provided, multiple submitters, no conflicts (2 of 4 stars). 3 submissions from 3 submitters: Benign (1); Likely benign (2). Last evaluated 2026-05-06.

Conditions:
Colorectal cancer, hereditary nonpolyposis, type 7. Identifiers: Orphanet 144, MedGen C1858380, MONDO:0013725, OMIM 614385.

Allele frequency attached by ClinVar (database versions not stated): gnomAD exomes below 0.00001; TOPMed below 0.00001.

Submissions (3):

Myriad Genetics, Inc.
Classification: Benign for Colorectal cancer, hereditary nonpolyposis, type 7. Last evaluated: 2026-05-06. Review status: criteria provided, single submitter. Criteria: Myriad Autosomal Dominant, Autosomal Recessive and X-Linked Classification Criteria (2023). Collection method: clinical testing. Allele origin: unknown.
Comment: This variant is considered benign. This variant is a silent/synonymous amino acid change and it is not expected to impact splicing.

Labcorp Genetics (formerly Invitae), Labcorp
Classification: Likely benign for Colorectal cancer, hereditary nonpolyposis, type 7. Last evaluated: 2024-02-17. Review status: criteria provided, single submitter. Criteria: Invitae Variant Classification Sherloc (09022015). Collection method: clinical testing. Allele origin: germline.

Ambry Genetics
Classification: Likely benign. Last evaluated: 2023-05-21. Review status: criteria provided, single submitter. Criteria: Ambry Variant Classification Scheme 2023. Collection method: clinical testing. Allele origin: germline.

NM_001040108.2(MLH3):c.3648G>T (p.Gly1216=)

Gene: MLH3 (mutL homolog 3; minus strand). Cytogenetic location: 14q24.3.
Variant type: single nucleotide variant.
Coding change: c.3648G>T on transcript NM_001040108.2 (MANE Select); coding-DNA position 3648, G replaced by T.
Protein change: p.Gly1216=; no amino-acid change (glycine 1216 retained).
Molecular consequence: synonymous variant. On other transcripts: intron variant (1).
Genome position (GRCh38, 1-based): chr14:75,033,486, C>A on the plus strand (G>T on the coding strand, the complement: MLH3 is on the minus strand). VCF-style: chr14-75033486-C-A. GRCh37 (hg19) VCF-style: chr14-75500189-C-A.
Other names: c.3644-1307G>T (NM_014381.3).
Identifiers: ClinVar variation 2167565 (VCV002167565.7), dbSNP rs1278278781, ClinGen allele CA487176175.